The following is an entry in ClinVar:

NM_025114.4(CEP290):c.2306T>C (p.Ile769Thr)

Gene: CEP290 (centrosomal protein 290; minus strand). Cytogenetic location: 12q21.32.
Variant type: single nucleotide variant.
Coding change: c.2306T>C on transcript NM_025114.4 (MANE Select); coding-DNA position 2306, T replaced by C.
Protein change: p.Ile769Thr; replaces isoleucine 769 with threonine.
Molecular consequence: missense variant.
Genome position (GRCh38, 1-based): chr12:88,111,263, A>G on the plus strand (T>C on the coding strand, the complement: CEP290 is on the minus strand). VCF-style: chr12-88111263-A-G. GRCh37 (hg19) VCF-style: chr12-88505040-A-G.
Other names: short protein forms I769T.
Identifiers: ClinVar variation 852603 (VCV000852603.17), dbSNP rs199583200, ClinGen allele CA6712356.

ClinVar aggregate classification (germline): Conflicting classifications of pathogenicity. Review status: criteria provided, conflicting classifications (1 of 4 stars). 10 submissions from 6 submitters: Uncertain significance (7); Likely benign (1). 2 of the submissions do not count toward it. Last evaluated 2026-10-06.

Conditions:
Joubert syndrome. Also called: JOUBERT-BOLTSHAUSER SYNDROME; Familial aplasia of the vermis. Identifiers: Orphanet 475, MedGen C5979921, MONDO:0018772.
Nephronophthisis. Also called: Juvenile Nephronophthisis. Identifiers: Orphanet 655, MedGen C0687120, MONDO:0019005, HP:0000090.
Meckel-Gruber syndrome. Also called: DYSENCEPHALIA SPLANCHNOCYSTICA; GRUBER SYNDROME; Dysencephalia splachnocystica. Identifiers: Orphanet 564, MedGen C0265215, MONDO:0018921.
Leber congenital amaurosis (LCA). Also called: Leber's amaurosis. Identifiers: Orphanet 65, MedGen C0339527, MeSH D057130, MONDO:0018998.
CEP290-related disorder. Also called: CEP290-related disorders; CEP290-related condition. Identifiers: MedGen CN239314.
Meckel syndrome, type 4 (MKS4). Also called: MECKEL-GRUBER SYNDROME, TYPE 4. Identifiers: Orphanet 564, MedGen C1970161, MONDO:0012626, OMIM 611134.
Leber congenital amaurosis 10 (LCA10). Identifiers: Orphanet 65, MedGen C1857821, MONDO:0012723, OMIM 611755.
Bardet-Biedl syndrome 14 (BBS14). Identifiers: Orphanet 110, MedGen C2673874, MONDO:0014442, OMIM 615991.
Joubert syndrome 5 (JBTS5). Identifiers: Orphanet 2318, MedGen C1857780, MONDO:0012432, OMIM 610188.
Senior-Loken syndrome 6 (SLSN6). Identifiers: Orphanet 3156, MedGen C1857779, MONDO:0012433, OMIM 610189.

Allele frequency attached by ClinVar (database versions not stated): ExAC 0.00040; ESP Exome Variant Server 0.00051; 1000 Genomes Project 0.00060; gnomAD 0.00055 and 0.00053; gnomAD exomes 0.00004 and 0.00012; 1000 Genomes Project 30x 0.00047; TOPMed 0.00056.

Submissions (10):

GeneDx
Classification: Uncertain significance. Last evaluated: 2026-10-06. Review status: criteria provided, single submitter. Criteria: GeneDx Variant Classification Process June 2021. Collection method: clinical testing. Allele origin: germline.
Comment: In silico analysis suggests that this missense variant does not alter protein structure/function; Has not been previously published as pathogenic or benign to our knowledge

Labcorp Genetics (formerly Invitae), Labcorp
Classification: Likely benign for Joubert syndrome; Meckel-Gruber syndrome; Nephronophthisis. Last evaluated: 2026-01-13. Review status: criteria provided, single submitter. Criteria: Invitae Variant Classification Sherloc (09022015). Collection method: clinical testing. Allele origin: germline.

Blueprint Genetics
Classification: Uncertain significance. Last evaluated: 2024-02-12. Review status: criteria provided, single submitter. Criteria: ACMG Guidelines, 2015. Collection method: clinical testing. Allele origin: germline.

Illumina Laboratory Services, Illumina
Classification: Uncertain significance for Leber congenital amaurosis 10. Last evaluated: 2018-01-13. Review status: criteria provided, single submitter. Criteria: ICSL Variant Classification Criteria 13 December 2019. Collection method: clinical testing. Allele origin: germline.

Illumina Laboratory Services, Illumina
Classification: Uncertain significance for Senior-Loken syndrome 6. Last evaluated: 2018-01-13. Review status: criteria provided, single submitter. Criteria: ICSL Variant Classification Criteria 13 December 2019. Collection method: clinical testing. Allele origin: germline.

Illumina Laboratory Services, Illumina
Classification: Uncertain significance for Joubert syndrome 5. Last evaluated: 2018-01-13. Review status: criteria provided, single submitter. Criteria: ICSL Variant Classification Criteria 13 December 2019. Collection method: clinical testing. Allele origin: germline.

Illumina Laboratory Services, Illumina
Classification: Uncertain significance for Meckel syndrome, type 4. Last evaluated: 2018-01-13. Review status: criteria provided, single submitter. Criteria: ICSL Variant Classification Criteria 13 December 2019. Collection method: clinical testing. Allele origin: germline.

Illumina Laboratory Services, Illumina
Classification: Uncertain significance for Bardet-Biedl syndrome 14. Last evaluated: 2018-01-13. Review status: criteria provided, single submitter. Criteria: ICSL Variant Classification Criteria 13 December 2019. Collection method: clinical testing. Allele origin: germline.

PreventionGenetics, part of Exact Sciences
Classification: Likely benign for CEP290-related condition. Last evaluated: 2022-02-09. Review status: no assertion criteria provided. Collection method: clinical testing. Allele origin: germline. Not counted in ClinVar's aggregate classification.
Comment: This variant is classified as likely benign based on ACMG/AMP sequence variant interpretation guidelines (Richards et al. 2015 PMID: 25741868, with internal and published modifications).

Natera, Inc.
Classification: Uncertain significance for Leber congenital amaurosis. Last evaluated: 2020-02-26. Review status: no assertion criteria provided. Collection method: clinical testing. Allele origin: germline. Not counted in ClinVar's aggregate classification.